The following is an entry in ClinVar:

NM_022773.4(LMF1):c.1227C>T (p.Phe409=)

Gene: LMF1 (lipase maturation factor 1; minus strand). Cytogenetic location: 16p13.3.
Variant type: single nucleotide variant.
Coding change: c.1227C>T on transcript NM_022773.4 (MANE Select); coding-DNA position 1227, C replaced by T.
Protein change: p.Phe409=; no amino-acid change (phenylalanine 409 retained).
Molecular consequence: synonymous variant. On other transcripts: non-coding transcript variant (1).
Genome position (GRCh38, 1-based): chr16:870,734, G>A on the plus strand (C>T on the coding strand, the complement: LMF1 is on the minus strand). VCF-style: chr16-870734-G-A. GRCh37 (hg19) VCF-style: chr16-920734-G-A.
Other names: c.576C>T, p.Phe192= (NM_001352017.2, NM_001352021.2); c.828C>T, p.Phe276= (NM_001352018.2); c.900C>T, p.Phe300= (NM_001352019.2); c.1227C>T, p.Phe409= (NM_001352020.1).
Identifiers: ClinVar variation 1284280 (VCV001284280.9), dbSNP rs199695197, ClinGen allele CA7797134.
Genomic context (GRCh38, chr16:870,734, plus strand): 5'-GGGCTGAGTCTCCCCATATACCCAGCTCCGGGGGACGGGGACCCCAGGCTCATACCTTCC[G>A]AAGGCCCCGTAAGTGTTGACGATGTGAAGAGAGTTGAAGTGGGTGTTCATGACCTGCCTG-3'
Protein context (NP_073610.2, residues 399-419): SLHIVNTYGA[Phe409=]GSITKERAEV

ClinVar aggregate classification (germline): Likely benign. Review status: criteria provided, multiple submitters, no conflicts (2 of 4 stars). 6 submissions from 6 submitters: Likely benign (3). 3 of the submissions do not count toward it. Last evaluated 2025-11-04.

Conditions:
LMF1-related disorder. Also called: LMF1-related condition.
Cardiovascular phenotype. Identifiers: MedGen CN230736.

Allele frequency attached by ClinVar (database versions not stated): ESP Exome Variant Server 0.00008; TOPMed 0.00009; gnomAD 0.00010 and 0.00015; gnomAD exomes 0.00020 and 0.00032; 1000 Genomes Project 30x 0.00031; ExAC 0.00036; 1000 Genomes Project 0.00040.
gnomAD v4.1: 319 of 1,612,760 alleles (0.02%); highest among the groups gnomAD compares: East Asian, 0.12%; no homozygotes.

Submissions (6):

Labcorp Genetics (formerly Invitae), Labcorp
Classification: Likely benign. Last evaluated: 2025-11-04. Review status: criteria provided, single submitter. Criteria: Invitae Variant Classification Sherloc (09022015). Collection method: clinical testing. Allele origin: germline.

Blueprint Genetics
Classification: Likely benign. Last evaluated: 2024-10-04. Review status: criteria provided, single submitter. Criteria: ACMG Guidelines, 2015. Collection method: clinical testing. Allele origin: germline.

Ambry Genetics
Classification: Likely benign for Cardiovascular phenotype. Last evaluated: 2020-02-14. Review status: criteria provided, single submitter. Criteria: Ambry Variant Classification Scheme 2023. Collection method: clinical testing. Allele origin: germline.

PreventionGenetics, part of Exact Sciences
Classification: Likely benign for LMF1-related condition. Last evaluated: 2023-05-03. Review status: no assertion criteria provided. Collection method: clinical testing. Allele origin: germline. Not counted in ClinVar's aggregate classification.
Comment: This variant is classified as likely benign based on ACMG/AMP sequence variant interpretation guidelines (Richards et al. 2015 PMID: 25741868, with internal and published modifications).

Clinical Genetics DNA and cytogenetics Diagnostics Lab, Erasmus MC, Erasmus Medical Center
Classification: Likely benign. Review status: no assertion criteria provided. Collection method: clinical testing. Allele origin: germline. Affected: yes. Study: VKGL Data-share Consensus. Not counted in ClinVar's aggregate classification.

Clinical Genetics, Academic Medical Center
Classification: Benign. Review status: no assertion criteria provided. Collection method: clinical testing. Allele origin: germline. Affected: yes. Study: VKGL Data-share Consensus. Not counted in ClinVar's aggregate classification.